The following is an entry in ClinVar:

NM_000391.4(TPP1):c.959T>G (p.Val320Gly)

Gene: TPP1 (tripeptidyl peptidase 1; minus strand). Cytogenetic location: 11p15.4.
Variant type: single nucleotide variant.
Coding change: c.959T>G on transcript NM_000391.4 (MANE Select); coding-DNA position 959, T replaced by G.
Protein change: p.Val320Gly; replaces valine 320 with glycine.
Molecular consequence: missense variant.
Genome position (GRCh38, 1-based): chr11:6,616,431, A>C on the plus strand (T>G on the coding strand, the complement: TPP1 is on the minus strand). VCF-style: chr11-6616431-A-C. GRCh37 (hg19) VCF-style: chr11-6637662-A-C.
Other names: short protein forms V320G.
Identifiers: ClinVar variation 527755 (VCV000527755.11), dbSNP rs1314521780, ClinGen allele CA379474390.

ClinVar aggregate classification (germline): Uncertain significance. Review status: criteria provided, multiple submitters, no conflicts (2 of 4 stars). 4 submissions from 4 submitters: Uncertain significance (4). Last evaluated 2025-10-14.

Conditions:
Inborn genetic diseases. Identifiers: MedGen C0950123, MeSH D030342.
Neuronal ceroid lipofuscinosis 2. Also called: JANSKY-BIELSCHOWSKY DISEASE NEURONAL CEROID LIPOFUSCINOSIS, LATE INFANTILE; TPP1-Related Neuronal Ceroid-Lipofuscinosis. Identifiers: Orphanet 168491, Orphanet 228349, Orphanet 79264, MedGen C1876161, MONDO:0008769, OMIM 204500.

Allele frequency attached by ClinVar (database versions not stated): gnomAD exomes below 0.00001 and 0.00001.

Submissions (4):

Ambry Genetics
Classification: Uncertain significance for Inborn genetic diseases. Last evaluated: 2025-10-14. Review status: criteria provided, single submitter. Criteria: Ambry Variant Classification Scheme 2023. Collection method: clinical testing. Allele origin: germline.
Comment: The c.959T>G (p.V320G) alteration is located in exon 8 (coding exon 8) of the TPP1 gene. This alteration results from a T to G substitution at nucleotide position 959, causing the valine (V) at amino acid position 320 to be replaced by a glycine (G). Based on data from gnomAD, the G allele has an overall frequency of 0.001% (2/251222) total alleles studied. The highest observed frequency was 0.006% (2/34572) of Latino alleles. Based on insufficient or conflicting evidence, the clinical significance of this alteration remains unclear.

Women's Health and Genetics/Laboratory Corporation of America, LabCorp
Classification: Uncertain significance. Last evaluated: 2023-05-24. Review status: criteria provided, single submitter. Criteria: LabCorp Variant Classification Summary - May 2015. Collection method: clinical testing. Allele origin: germline.
Comment: Variant summary: TPP1 c.959T>G (p.Val320Gly) results in a non-conservative amino acid change located in the Peptidase S8/S53 domain (IPR000209) of the encoded protein sequence. Five of five in-silico tools predict a damaging effect of the variant on protein function. The variant allele was found at a frequency of 8e-06 in 251222 control chromosomes (gnomAD). The available data on variant occurrences in the general population are insufficient to allow any conclusion about variant significance. c.959T>G has been reported in the literature in individual(s) affected with Neuronal Ceroid-Lipofuscinosis (Gardner_2019). This report does not provide unequivocal conclusions about association of the variant with Neuronal Ceroid-Lipofuscinosis (Batten Disease). To our knowledge, no experimental evidence demonstrating an impact on protein function has been reported. The following publication has been ascertained in the context of this evaluation (PMID: 31283065). Two ClinVar submitters have assessed the variant since 2014: both classified the variant as uncertain significance. Based on the evidence outlined above, the variant was classified as uncertain significance.

Labcorp Genetics (formerly Invitae), Labcorp
Classification: Uncertain significance. Last evaluated: 2022-08-15. Review status: criteria provided, single submitter. Criteria: Invitae Variant Classification Sherloc (09022015). Collection method: clinical testing. Allele origin: germline.
Comment: This sequence change replaces valine, which is neutral and non-polar, with glycine, which is neutral and non-polar, at codon 320 of the TPP1 protein (p.Val320Gly). This variant is present in population databases (no rsID available, gnomAD 0.006%). This missense change has been observed in individual(s) with clinical features of TPP1-related conditions (PMID: 31283065). ClinVar contains an entry for this variant (Variation ID: 527755). Advanced modeling of protein sequence and biophysical properties (such as structural, functional, and spatial information, amino acid conservation, physicochemical variation, residue mobility, and thermodynamic stability) performed at Invitae indicates that this missense variant is expected to disrupt TPP1 protein function. In summary, the available evidence is currently insufficient to determine the role of this variant in disease. Therefore, it has been classified as a Variant of Uncertain Significance.

New York Genome Center
Classification: Uncertain significance for Neuronal ceroid lipofuscinosis 2. Last evaluated: 2021-11-23. Review status: criteria provided, single submitter. Criteria: NYGC Assertion Criteria 2020. Collection method: clinical testing. Allele origin: germline. Observed: 1 heterozygote. Study: CSER-NYCKidSeq.

Literature cited by the submitters: PubMed 33356800 (cited by Ambry Genetics); PubMed 31283065 (cited by Women's Health and Genetics/Laboratory Corporation of America, LabCorp and Labcorp Genetics (formerly Invitae), Labcorp).